The following is an entry in ClinVar:

NM_032237.5(POMK):c.311A>C (p.Lys104Thr)

Gene: POMK (protein O-mannose kinase; plus strand). Cytogenetic location: 8p11.21.
Variant type: single nucleotide variant.
Coding change: c.311A>C on transcript NM_032237.5 (MANE Select); coding-DNA position 311, A replaced by C.
Protein change: p.Lys104Thr; replaces lysine 104 with threonine.
Molecular consequence: missense variant.
Genome position (GRCh38, 1-based): chr8:43,122,135, A>C. VCF-style: chr8-43122135-A-C. GRCh37 (hg19) VCF-style: chr8-42977278-A-C.
Other names: c.311A>C, p.Lys104Thr (NM_001277971.2); short protein forms K104T.
Identifiers: ClinVar variation 1991578 (VCV001991578.4), dbSNP rs760891127, ClinGen allele CA4736266.

ClinVar aggregate classification (germline): Uncertain significance (1 of 4 stars; one submission).

Conditions:
Muscular dystrophy-dystroglycanopathy (congenital with brain and eye anomalies), type a, 12 (MDDGA12). Also called: WALKER-WARBURG SYNDROME OR MUSCLE-EYE-BRAIN DISEASE, POMK-RELATED. Identifiers: Orphanet 899, MedGen C3808964, MONDO:0014101, OMIM 615249.
Limb-girdle muscular dystrophy due to POMK deficiency. Also called: MUSCULAR DYSTROPHY-DYSTROGLYCANOPATHY, LIMB-GIRDLE, POMK-RELATED; Muscular dystrophy-dystroglycanopathy (limb-girdle), type c, 12. Identifiers: Orphanet 445110, MedGen C4015184, MONDO:0014489, OMIM 616094.

Allele frequency attached by ClinVar (database versions not stated): ExAC 0.00001.

Submission:

Labcorp Genetics (formerly Invitae), Labcorp
Classification: Uncertain significance for Muscular dystrophy-dystroglycanopathy (congenital with brain and eye anomalies), type a, 12; Limb-girdle muscular dystrophy due to POMK deficiency. Last evaluated: 2022-03-12. Review status: criteria provided, single submitter. Criteria: Invitae Variant Classification Sherloc (09022015). Collection method: clinical testing. Allele origin: germline.
Comment: Algorithms developed to predict the effect of missense changes on protein structure and function are either unavailable or do not agree on the potential impact of this missense change (SIFT: "Deleterious"; PolyPhen-2: "Benign"; Align-GVGD: "Class C65"). This variant has not been reported in the literature in individuals affected with POMK-related conditions. This variant is present in population databases (rs760891127, gnomAD 0.01%). This sequence change replaces lysine, which is basic and polar, with threonine, which is neutral and polar, at codon 104 of the POMK protein (p.Lys104Thr). In summary, the available evidence is currently insufficient to determine the role of this variant in disease. Therefore, it has been classified as a Variant of Uncertain Significance.